The following is an entry in ClinVar:

ClinVar aggregate classification (germline): not provided (0 of 4 stars; one submission).

Conditions:
Cold-induced sweating syndrome 1 (CISS1). Also called: CRLF1-Related Cold-Induced Sweating Syndrome including Crisponi Syndrome; Crisponi syndrome; MUSCLE CONTRACTIONS, TETANOFORM, WITH CHARACTERISTIC FACE, CAMPTODACTYLY, HYPERTHERMIA, AND SUDDEN DEATH; CRISPONI/COLD-INDUCED SWEATING SYNDROME 1. Identifiers: Orphanet 1545, Orphanet 157820, MedGen C1848947, MONDO:0010091, OMIM 272430.

Submission:

GeneReviews
No classification provided. Condition: Cold-induced sweating syndrome 1. Review status: no classification provided. Collection method: literature only. Allele origin: germline.
Comment: Persons of Israeli ancestry reported as homozygous for both variants c.242G>A and c.1121T>G

Literature cited by the submitters: PubMed 12509788; PubMed 21370513.

NM_004750.5(CRLF1):c.1121T>G (p.Leu374Arg)

Genes: CRLF1 (cytokine receptor like factor 1; minus strand), LOC130064021 (ATAC-STARR-seq lymphoblastoid silent region 10411; plus strand). Cytogenetic location: 19p13.11.
Variant type: single nucleotide variant.
Coding change: c.1121T>G on transcript NM_004750.5 (MANE Select); coding-DNA position 1121, T replaced by G.
Protein change: p.Leu374Arg; replaces leucine 374 with arginine.
Molecular consequence: missense variant.
Genome position (GRCh38, 1-based): chr19:18,594,338, A>C on the plus strand (T>G on the coding strand, the complement: CRLF1 is on the minus strand). VCF-style: chr19-18594338-A-C. GRCh37 (hg19) VCF-style: chr19-18705148-A-C.
Other names: short protein forms L374R.
Identifiers: ClinVar variation 21428 (VCV000021428.3), dbSNP rs104894668, ClinGen allele CA342059.